The following is an entry in ClinVar:

NM_002234.4(KCNA5):c.293AAG[1] (p.Glu99del)

Gene: KCNA5 (potassium voltage-gated channel subfamily A member 5; plus strand). Cytogenetic location: 12p13.32.
Variant type: Microsatellite.
Coding change: c.293AAG[1] on transcript NM_002234.4 (MANE Select); one copy of the 3-base unit AAG starting at c.293; the reference has two copies in a row; one copy, 3 bases deleted.
Protein change: p.Glu99del; deletes glutamic acid 99.
Molecular consequence: inframe deletion.
Genome position (GRCh38, 1-based): chr12:5,044,443-5,044,445, AAG deleted; deleting any 3 consecutive bases within chr12:5,044,439-5,044,445 gives the same sequence; the position shown is the placement nearest the transcript's 3' end. VCF-style (leftmost placement, unchanged base first): chr12-5044438-GGAA-G. GRCh37 (hg19) VCF-style: chr12-5153604-GGAA-G.
Other names: short protein forms E99del.
Identifiers: ClinVar variation 469591 (VCV000469591.8), dbSNP rs1314476291, ClinGen allele CA603482566.

ClinVar aggregate classification (germline): Uncertain significance (1 of 4 stars; one submission).

Conditions:
Atrial fibrillation, familial, 7 (ATFB7). Identifiers: MedGen C2677106, MONDO:0012828, OMIM 612240.

Submission:

Labcorp Genetics (formerly Invitae), Labcorp
Classification: Uncertain significance for Atrial fibrillation, familial, 7. Last evaluated: 2025-07-29. Review status: criteria provided, single submitter. Criteria: Invitae Variant Classification Sherloc (09022015). Collection method: clinical testing. Allele origin: germline.
Comment: This variant, c.296_298del, results in the deletion of 1 amino acid(s) of the KCNA5 protein (p.Glu99del), but otherwise preserves the integrity of the reading frame. This variant is present in population databases (no rsID available, gnomAD 0.009%). This variant has not been reported in the literature in individuals affected with KCNA5-related conditions. Experimental studies and prediction algorithms are not available or were not evaluated, and the functional significance of this variant is currently unknown. In summary, the available evidence is currently insufficient to determine the role of this variant in disease. Therefore, it has been classified as a Variant of Uncertain Significance.